The following is an entry in ClinVar:

ClinVar aggregate classification (germline): Conflicting classifications of pathogenicity. Review status: criteria provided, conflicting classifications (1 of 4 stars). 4 submissions from 4 submitters: Uncertain significance (3); Likely benign (1). Last evaluated 2024-05-14.

Conditions:
Hereditary cancer-predisposing syndrome. Also called: Neoplastic Syndromes, Hereditary; Tumor predisposition; Hereditary Cancer Syndrome; Hereditary neoplastic syndrome. Identifiers: Orphanet 140162, MedGen C0027672, MeSH D009386, MONDO:0015356.
Familial adenomatous polyposis 1 (FAP1). Also called: FAMILIAL ADENOMATOUS POLYPOSIS 1, ATTENUATED; POLYPOSIS, ADENOMATOUS INTESTINAL. Identifiers: MedGen C2713442, MONDO:0021056, OMIM 175100. Disease mechanism: loss of function.
Classic or attenuated familial adenomatous polyposis. Identifiers: MedGen CN372698, MONDO:0021057.

Allele frequency attached by ClinVar (database versions not stated): TOPMed 0.00001.

Submissions (4):

All of Us Research Program, National Institutes of Health
Classification: Uncertain significance for Classic or attenuated familial adenomatous polyposis. Last evaluated: 2024-05-14. Review status: criteria provided, single submitter. Criteria: ACMG Guidelines, 2015. Collection method: clinical testing. Allele origin: germline. Inheritance: Autosomal dominant inheritance. Observed: 1 variant allele, 1 heterozygote.
Comment: This missense variant replaces isoleucine with serine at codon 1311 of the APC protein. Computational prediction suggests that this variant may not impact protein structure and function (internally defined REVEL score threshold <= 0.5, PMID: 27666373). To our knowledge, functional studies have not been reported for this variant. This variant has not been reported in individuals affected with APC-related disorders in the literature. This variant has not been identified in the general population by the Genome Aggregation Database (gnomAD). The available evidence is insufficient to determine the role of this variant in disease conclusively. Therefore, this variant is classified as a Variant of Uncertain Significance.

This study involves interpretation of variants in research participants for the purpose of population health screening. Participant phenotype was not available at the time of variant classification. Additional details can be found in publication PMID: 35346344, PMCID: PMC8962531

Color Diagnostics, LLC DBA Color Health
Classification: Uncertain significance for Hereditary cancer-predisposing syndrome. Last evaluated: 2024-04-17. Review status: criteria provided, single submitter. Criteria: ACMG Guidelines, 2015. Collection method: clinical testing. Allele origin: germline.
Comment: This missense variant replaces isoleucine with serine at codon 1311 of the APC protein. Computational prediction suggests that this variant may not impact protein structure and function (internally defined REVEL score threshold <= 0.5, PMID: 27666373). To our knowledge, functional studies have not been reported for this variant. This variant has not been reported in individuals affected with APC-related disorders in the literature. This variant has not been identified in the general population by the Genome Aggregation Database (gnomAD). The available evidence is insufficient to determine the role of this variant in disease conclusively. Therefore, this variant is classified as a Variant of Uncertain Significance.

Labcorp Genetics (formerly Invitae), Labcorp
Classification: Uncertain significance for Familial adenomatous polyposis 1. Last evaluated: 2022-11-10. Review status: criteria provided, single submitter. Criteria: Invitae Variant Classification Sherloc (09022015). Collection method: clinical testing. Allele origin: germline.
Comment: This sequence change replaces isoleucine, which is neutral and non-polar, with serine, which is neutral and polar, at codon 1311 of the APC protein (p.Ile1311Ser). This variant is not present in population databases (gnomAD no frequency). This variant has not been reported in the literature in individuals affected with APC-related conditions. ClinVar contains an entry for this variant (Variation ID: 231488). Advanced modeling of protein sequence and biophysical properties (such as structural, functional, and spatial information, amino acid conservation, physicochemical variation, residue mobility, and thermodynamic stability) performed at Invitae indicates that this missense variant is not expected to disrupt APC protein function. In summary, the available evidence is currently insufficient to determine the role of this variant in disease. Therefore, it has been classified as a Variant of Uncertain Significance.

Ambry Genetics
Classification: Likely benign for Hereditary cancer-predisposing syndrome. Last evaluated: 2018-09-07. Review status: criteria provided, single submitter. Criteria: Ambry Variant Classification Scheme 2023. Collection method: clinical testing. Allele origin: germline.

NM_000038.6(APC):c.3932T>G (p.Ile1311Ser)

Gene: APC (APC regulator of Wnt signaling pathway; plus strand). Cytogenetic location: 5q22.2.
Variant type: single nucleotide variant.
Coding change: c.3932T>G on transcript NM_000038.6 (MANE Select); coding-DNA position 3932, T replaced by G.
Protein change: p.Ile1311Ser; replaces isoleucine 1311 with serine.
Molecular consequence: missense variant.
Genome position (GRCh38, 1-based): chr5:112,839,526, T>G. VCF-style: chr5-112839526-T-G. GRCh37 (hg19) VCF-style: chr5-112175223-T-G.
Other names: c.3932T>G, p.Ile1311Ser (NM_001127510.3, NM_001354895.2); c.3878T>G, p.Ile1293Ser (NM_001127511.3); c.3986T>G, p.Ile1329Ser (NM_001354896.2); c.3962T>G, p.Ile1321Ser (NM_001354897.2); c.3857T>G, p.Ile1286Ser (NM_001354898.2); c.3848T>G, p.Ile1283Ser (NM_001354899.2); c.3809T>G, p.Ile1270Ser (NM_001354900.2); c.3755T>G, p.Ile1252Ser (NM_001354901.2); and 5 more; short protein forms I1293S, I1311S, I1028S, I1185S, I1210S, I1270S, I1220S, I1329S.
Identifiers: ClinVar variation 231488 (VCV000231488.21), dbSNP rs876659190, ClinGen allele CA10578361.